The following is an entry in ClinVar:

NM_022765.4(MICAL1):c.2405C>T (p.Thr802Ile)

Gene: MICAL1 (microtubule associated monooxygenase, calponin and LIM domain containing 1; minus strand). Cytogenetic location: 6q21.
Variant type: single nucleotide variant.
Coding change: c.2405C>T on transcript NM_022765.4 (MANE Select); coding-DNA position 2405, C replaced by T.
Protein change: p.Thr802Ile; replaces threonine 802 with isoleucine.
Molecular consequence: missense variant.
Genome position (GRCh38, 1-based): chr6:109,446,312, G>A on the plus strand (C>T on the coding strand, the complement: MICAL1 is on the minus strand). VCF-style: chr6-109446312-G-A. GRCh37 (hg19) VCF-style: chr6-109767515-G-A.
Other names: c.2147C>T, p.Thr716Ile (NM_001159291.2); c.2462C>T, p.Thr821Ile (NM_001286613.2); short protein forms T821I, T716I, T802I.
Identifiers: ClinVar variation 2094903 (VCV002094903.4), dbSNP rs2482775139, ClinGen allele CA365223726.

ClinVar aggregate classification (germline): Uncertain significance (1 of 4 stars; one submission).

Submission:

Labcorp Genetics (formerly Invitae), Labcorp
Classification: Uncertain significance. Last evaluated: 2023-08-04. Review status: criteria provided, single submitter. Criteria: Invitae Variant Classification Sherloc (09022015). Collection method: clinical testing. Allele origin: germline.
Comment: This sequence change replaces threonine, which is neutral and polar, with isoleucine, which is neutral and non-polar, at codon 821 of the MICAL1 protein (p.Thr821Ile). This variant is not present in population databases (gnomAD no frequency). This variant has not been reported in the literature in individuals affected with MICAL1-related conditions. ClinVar contains an entry for this variant (Variation ID: 2094903). An algorithm developed to predict the effect of missense changes on protein structure and function (PolyPhen-2) suggests that this variant is likely to be tolerated. In summary, the available evidence is currently insufficient to determine the role of this variant in disease. Therefore, it has been classified as a Variant of Uncertain Significance.